The following is an entry in ClinVar:

NM_000557.5(GDF5):c.1483G>T (p.Val495Leu)

Genes: GDF5 (growth differentiation factor 5; minus strand), GDF5-AS1 (GDF5 antisense RNA 1; plus strand). Cytogenetic location: 20q11.22.
Variant type: single nucleotide variant.
Coding change: c.1483G>T on transcript NM_000557.5 (MANE Select); coding-DNA position 1483, G replaced by T.
Protein change: p.Val495Leu; replaces valine 495 with leucine.
Molecular consequence: missense variant. On other transcripts: non-coding transcript variant (1).
Genome position (GRCh38, 1-based): chr20:35,433,932, C>A on the plus strand (G>T on the coding strand, the complement: GDF5 is on the minus strand). VCF-style: chr20-35433932-C-A. GRCh37 (hg19) VCF-style: chr20-34021730-C-A.
Other names: c.1483G>T, p.Val495Leu (NM_001319138.2); short protein forms V495L.
Identifiers: ClinVar variation 2844331 (VCV002844331.3), dbSNP rs922571065, ClinGen allele CA408737159.

ClinVar aggregate classification (germline): Uncertain significance (1 of 4 stars; one submission).

Allele frequency attached by ClinVar (database versions not stated): TOPMed below 0.00001; gnomAD 0.00001.
gnomAD v4.1: 3 of 1,613,880 alleles (0.00019%); highest among the groups gnomAD compares: Non-Finnish European, 0.00025%; no homozygotes.

Submission:

Labcorp Genetics (formerly Invitae), Labcorp
Classification: Uncertain significance. Last evaluated: 2023-10-07. Review status: criteria provided, single submitter. Criteria: Invitae Variant Classification Sherloc (09022015). Collection method: clinical testing. Allele origin: germline.
Comment: This sequence change replaces valine, which is neutral and non-polar, with leucine, which is neutral and non-polar, at codon 495 of the GDF5 protein (p.Val495Leu). This variant is not present in population databases (gnomAD no frequency). This variant has not been reported in the literature in individuals affected with GDF5-related conditions. Advanced modeling of protein sequence and biophysical properties (such as structural, functional, and spatial information, amino acid conservation, physicochemical variation, residue mobility, and thermodynamic stability) performed at Invitae indicates that this missense variant is expected to disrupt GDF5 protein function. In summary, the available evidence is currently insufficient to determine the role of this variant in disease. Therefore, it has been classified as a Variant of Uncertain Significance.